The following is an entry in ClinVar:

ClinVar aggregate classification (germline): Uncertain significance (1 of 4 stars; one submission).

Conditions:
Familial hypobetalipoproteinemia 1. Also called: APOB-Related Familial Hypobetalipoproteinemia; Hypobetalipoproteinemia, normotriglyceridemic; Acanthocytosis with hypobetalipoproteinemia. Identifiers: MedGen C4551990, MONDO:0014252, OMIM 615558.
Hypercholesterolemia, autosomal dominant, type B (FHCL2). Also called: Familial Hypercholesterolemia Type B; APOLIPOPROTEIN B-100, FAMILIAL DEFECTIVE; APOLIPOPROTEIN B-100, FAMILIAL LIGAND-DEFECTIVE; HYPERCHOLESTEROLEMIA, FAMILIAL, DUE TO LIGAND-DEFECTIVE APOLIPOPROTEIN B; APOB-Related Familial Hypercholesterolemia, Autosomal Dominant; Familial hypercholesterolemia 2. Identifiers: MedGen C1704417, MONDO:0007751, OMIM 144010.

Allele frequency attached by ClinVar (database versions not stated): TOPMed below 0.00001; gnomAD 0.00001.
gnomAD v4.1: 1 of 1,613,794 alleles (0.000062%); highest among the groups gnomAD compares: African/African-American, 0.0013%; no homozygotes.

Submission:

Labcorp Genetics (formerly Invitae), Labcorp
Classification: Uncertain significance for Familial hypobetalipoproteinemia 1; Hypercholesterolemia, autosomal dominant, type B. Last evaluated: 2020-12-03. Review status: criteria provided, single submitter. Criteria: Invitae Variant Classification Sherloc (09022015). Collection method: clinical testing. Allele origin: germline.
Comment: This variant has not been reported in the literature in individuals with APOB-related conditions. This variant is not present in population databases (ExAC no frequency). This sequence change replaces isoleucine with leucine at codon 4263 of the APOB protein (p.Ile4263Leu). The isoleucine residue is weakly conserved and there is a small physicochemical difference between isoleucine and leucine. Algorithms developed to predict the effect of missense changes on protein structure and function (SIFT, PolyPhen-2, Align-GVGD) all suggest that this variant is likely to be tolerated, but these predictions have not been confirmed by published functional studies and their clinical significance is uncertain. In summary, the available evidence is currently insufficient to determine the role of this variant in disease. Therefore, it has been classified as a Variant of Uncertain Significance.

NM_000384.3(APOB):c.12787A>C (p.Ile4263Leu)

Gene: APOB (apolipoprotein B; minus strand). Cytogenetic location: 2p24.1.
Variant type: single nucleotide variant.
Coding change: c.12787A>C on transcript NM_000384.3 (MANE Select); coding-DNA position 12787, A replaced by C.
Protein change: p.Ile4263Leu; replaces isoleucine 4263 with leucine.
Molecular consequence: missense variant.
Genome position (GRCh38, 1-based): chr2:21,002,635, T>G on the plus strand (A>C on the coding strand, the complement: APOB is on the minus strand). VCF-style: chr2-21002635-T-G. GRCh37 (hg19) VCF-style: chr2-21225507-T-G.
Other names: short protein forms I4263L.
Identifiers: ClinVar variation 1398297 (VCV001398297.8), dbSNP rs751291501, ClinGen allele CA345970487.
Genomic context (GRCh38, chr2:21,002,635, plus strand): 5'-CCTCTTGGGCTTCTTTTGATAAATCTTTCAACAGTTCCCTATACATCGAGATTACATCTA[T>G]TAGTTTATGTTTCCTTAACTCGAAAGGAAGTGTAATCACTAGGTCTTGGAAATAGGAAAA-3'
Protein context (NP_000375.3, residues 4253-4273): LPFELRKHKL[Ile4263Leu]DVISMYRELL